The following is an entry in ClinVar:

ClinVar aggregate classification (germline): Uncertain significance (1 of 4 stars; one submission).

Conditions:
Cardiovascular phenotype. Identifiers: MedGen CN230736.

Allele frequency attached by ClinVar (database versions not stated): TOPMed 0.00001; gnomAD exomes 0.00002.
gnomAD v4.1: 24 of 1,613,982 alleles (0.0015%); highest among the groups gnomAD compares: Non-Finnish European, 0.0019%; no homozygotes.

Submission:

Ambry Genetics
Classification: Uncertain significance for Cardiovascular phenotype. Last evaluated: 2023-09-26. Review status: criteria provided, single submitter. Criteria: Ambry Variant Classification Scheme 2023. Collection method: clinical testing. Allele origin: germline.
Comment: The p.I2356T variant (also known as c.7067T>C), located in coding exon 31 of the AKAP9 gene, results from a T to C substitution at nucleotide position 7067. The isoleucine at codon 2356 is replaced by threonine, an amino acid with similar properties. This amino acid position is highly conserved in available vertebrate species. In addition, this alteration is predicted to be tolerated by in silico analysis. The evidence for this gene-disease relationship is limited; therefore, the clinical significance of this alteration is unclear.

NM_005751.5(AKAP9):c.7067T>C (p.Ile2356Thr)

Gene: AKAP9 (A-kinase anchoring protein 9; plus strand). Cytogenetic location: 7q21.2.
Variant type: single nucleotide variant.
Coding change: c.7067T>C on transcript NM_005751.5 (MANE Select); coding-DNA position 7067, T replaced by C.
Protein change: p.Ile2356Thr; replaces isoleucine 2356 with threonine.
Molecular consequence: missense variant.
Genome position (GRCh38, 1-based): chr7:92,079,200, T>C. VCF-style: chr7-92079200-T-C. GRCh37 (hg19) VCF-style: chr7-91708514-T-C.
Other names: c.1712T>C, p.Ile571Thr (NM_001379277.1); c.7043T>C, p.Ile2348Thr (NM_147185.3); short protein forms I2348T, I2356T, I571T.
Identifiers: ClinVar variation 3225087 (VCV003225087.1), dbSNP rs770514359, ClinGen allele CA161885223.
Genomic context (GRCh38, chr7:92,079,200, plus strand): 5'-GTGATCAAGAATGTGTGAAGAGAAATAGAGAAGAAGAAATAGAGCAGCTCAATGAAGTGA[T>C]TGAAAAACTTCAACAGGAATTGGCAAATATTGGACAGAAGACATCAATGAATGCTCATTC-3'
Protein context (NP_005742.4, residues 2346-2366): EEEIEQLNEV[Ile2356Thr]EKLQQELANI